The following is an entry in ClinVar:

ClinVar aggregate classification (germline): Likely benign. Review status: criteria provided, multiple submitters, no conflicts (2 of 4 stars). 2 submissions from 2 submitters: Likely benign (2). Last evaluated 2025-08-24.

Conditions:
Familial cancer of breast. Also called: Hereditary breast cancer; BREAST CANCER, FAMILIAL; hereditary breast carcinoma. Identifiers: Orphanet 227535, MedGen C0346153, MONDO:0016419, OMIM 114480. Disease mechanism: loss of function.

Allele frequency attached by ClinVar (database versions not stated): gnomAD exomes below 0.00001.
gnomAD v4.1: 3 of 1,614,086 alleles (0.00019%); highest among the groups gnomAD compares: South Asian, 0.0033%; no homozygotes.

Submissions (2):

Labcorp Genetics (formerly Invitae), Labcorp
Classification: Likely benign for Familial cancer of breast. Last evaluated: 2025-08-24. Review status: criteria provided, single submitter. Criteria: Invitae Variant Classification Sherloc (09022015). Collection method: clinical testing. Allele origin: germline.

Myriad Genetics, Inc.
Classification: Likely benign for Familial cancer of breast. Last evaluated: 2025-01-17. Review status: criteria provided, single submitter. Criteria: Myriad Autosomal Dominant, Autosomal Recessive and X-Linked Classification Criteria (2023). Collection method: clinical testing. Allele origin: unknown.
Comment: This variant is considered likely benign. This variant is intronic and is not expected to impact mRNA splicing.

NM_024675.4(PALB2):c.2587-10A>G

Gene: PALB2 (partner and localizer of BRCA2; minus strand). Cytogenetic location: 16p12.2.
Variant type: single nucleotide variant.
Coding change: c.2587-10A>G on transcript NM_024675.4 (MANE Select); 10 bases into the intron before coding-DNA position 2587, A replaced by G.
Molecular consequence: intron variant.
Genome position (GRCh38, 1-based): chr16:23,626,407, T>C on the plus strand (A>G on the coding strand, the complement: PALB2 is on the minus strand). VCF-style: chr16-23626407-T-C. GRCh37 (hg19) VCF-style: chr16-23637728-T-C.
Identifiers: ClinVar variation 415988 (VCV000415988.14), dbSNP rs1060504711, ClinGen allele CA16615227.
Genomic context (GRCh38, chr16:23,626,407, plus strand): 5'-TCTTTCCCAAAACATGGCACTCACATCTACGGAACAGGAACCTGAAGGATTCTGACACAA[T>C]GGCAACAGTTCTGTTAAAGTGGCACTCGAGTGCTGTTTTATGCAAAGCATAAGTATGCAA-3'